The following is an entry in ClinVar:

ClinVar aggregate classification (germline): Pathogenic (1 of 4 stars; one submission).

Submissions (3):

GeneDx
Classification: Pathogenic. Last evaluated: 2016-07-24. Review status: criteria provided, single submitter. Criteria: GeneDx Variant Classification (06012015). Collection method: clinical testing. Allele origin: germline. Affected: yes.
Comment: The c.760-1G>T pathogenic variant in the PDHA1 gene has not been reported previously as a pathogenic variant nor as a benign variant, to our knowledge. This splice site variant destroys the canonical splice acceptor site in intron 7. It is predicted to cause abnormal gene splicing, either leading to an abnormal message that is subject to nonsense-mediated mRNA decay, or to an abnormal protein product if the message is used for protein translation. The c.760-1G>T variant was not observed in approximately 6,500 individuals of European and African American ancestry in the NHLBI Exome Sequencing Project, indicating it is not a common benign variant in these populations. We interpret c.760-1G>T as a pathogenic variant.

Dr. Peter K. Rogan Lab, Western University
No classification provided (evidence only). Condition: Thyroid cancer, nonmedullary, 1. Review status: no classification provided. Collection method: in vitro. Allele origin: not applicable. Functional consequence: retained intron. Not counted in ClinVar's aggregate classification.

Dr. Peter K. Rogan Lab, Western University
No classification provided (evidence only). Condition: Thyroid cancer, nonmedullary, 1. Review status: no classification provided. Collection method: in vitro. Allele origin: not applicable. Functional consequence: retained intron. Not counted in ClinVar's aggregate classification.

NM_000284.4(PDHA1):c.760-1G>T

Gene: PDHA1 (pyruvate dehydrogenase E1 subunit alpha 1; plus strand). Cytogenetic location: Xp22.12.
Variant type: single nucleotide variant.
Coding change: c.760-1G>T on transcript NM_000284.4 (MANE Select); the canonical splice acceptor site of the intron before coding-DNA position 760, G replaced by T.
Molecular consequence: splice acceptor variant.
Genome position (GRCh38, 1-based): chrX:19,355,685, G>T. VCF-style: chrX-19355685-G-T. GRCh37 (hg19) VCF-style: chrX-19373803-G-T.
Other names: NC_000023.10:g.19373803G>T; c.874-1G>T (NM_001173454.2); c.781-1G>T (NM_001173455.2); c.667-1G>T (NM_001173456.2).
Identifiers: ClinVar variation 265640 (VCV000265640.3), dbSNP rs886039690, ClinGen allele CA10588754.